The following is an entry in ClinVar:

ClinVar aggregate classification (germline): Likely pathogenic (1 of 4 stars; one submission).

Submission:

Labcorp Genetics (formerly Invitae), Labcorp
Classification: Likely pathogenic. Last evaluated: 2025-03-17. Review status: criteria provided, single submitter. Criteria: Invitae Variant Classification Sherloc (09022015). Collection method: clinical testing. Allele origin: germline.
Comment: This sequence change replaces glycine, which is neutral and non-polar, with aspartic acid, which is acidic and polar, at codon 921 of the COL2A1 protein (p.Gly921Asp). This variant is not present in population databases (gnomAD no frequency). This variant has not been reported in the literature in individuals affected with COL2A1-related conditions. ClinVar contains an entry for this variant (Variation ID: 1477977). Invitae Evidence Modeling of protein sequence and biophysical properties (such as structural, functional, and spatial information, amino acid conservation, physicochemical variation, residue mobility, and thermodynamic stability) indicates that this missense variant is expected to disrupt COL2A1 protein function with a positive predictive value of 95%. This variant disrupts the triple helix domain of COL2A1. Glycine residues within the Gly-Xaa-Yaa repeats of the triple helix domain are required for the structure and stability of fibrillar collagens (PMID: 7695699, 8218237, 19344236). In COL2A1, variants affecting these glycine residues are significantly enriched in individuals with disease (PMID: 9016532, 17078022) compared to the general population (ExAC). In summary, the currently available evidence indicates that the variant is pathogenic, but additional data are needed to prove that conclusively. Therefore, this variant has been classified as Likely Pathogenic.

Literature cited by the submitters: PubMed 7695699; PubMed 8218237; PubMed 19344236; PubMed 9016532; PubMed 17078022.

NM_001844.5(COL2A1):c.2762G>A (p.Gly921Asp)

Gene: COL2A1 (collagen type II alpha 1 chain; minus strand). Cytogenetic location: 12q13.11.
Variant type: single nucleotide variant.
Coding change: c.2762G>A on transcript NM_001844.5 (MANE Select); coding-DNA position 2762, G replaced by A.
Protein change: p.Gly921Asp; replaces glycine 921 with aspartic acid.
Molecular consequence: missense variant.
Genome position (GRCh38, 1-based): chr12:47,978,730, C>T on the plus strand (G>A on the coding strand, the complement: COL2A1 is on the minus strand). VCF-style: chr12-47978730-C-T. GRCh37 (hg19) VCF-style: chr12-48372513-C-T.
Other names: c.2555G>A, p.Gly852Asp (NM_033150.3); short protein forms G852D, G921D.
Identifiers: ClinVar variation 1477977 (VCV001477977.8), dbSNP rs2136528442, ClinGen allele CA384542513.